The following is an entry in ClinVar:

ClinVar aggregate classification (germline): Likely benign. Review status: criteria provided, multiple submitters, no conflicts (2 of 4 stars). 4 submissions from 4 submitters: Likely benign (4). Last evaluated 2026-07-01.

Conditions:
MYCN-related disorder. Also called: MYCN-related condition.

Allele frequency attached by ClinVar (database versions not stated): gnomAD 0.00051 and 0.00050; ESP Exome Variant Server 0.00085; 1000 Genomes Project 30x 0.00016; 1000 Genomes Project 0.00020; TOPMed 0.00045.

Submissions (4):

CeGaT Center for Human Genetics Tuebingen
Classification: Likely benign. Last evaluated: 2026-07-01. Review status: criteria provided, single submitter. Criteria: CeGaT Center For Human Genetics Tuebingen Variant Classification Criteria Version 2. Collection method: clinical testing. Allele origin: germline. Affected: yes. Observed: 6 variant alleles.
Comment: MYCN: BP4, BP7, BS1

Labcorp Genetics (formerly Invitae), Labcorp
Classification: Likely benign. Last evaluated: 2025-12-31. Review status: criteria provided, single submitter. Criteria: Invitae Variant Classification Sherloc (09022015). Collection method: clinical testing. Allele origin: germline.

PreventionGenetics, part of Exact Sciences
Classification: Likely benign for MYCN-related condition. Last evaluated: 2025-12-23. Review status: criteria provided, single submitter. Criteria: ACMG Guidelines, 2015. Collection method: clinical testing. Allele origin: germline.
Comment: This variant is classified as likely benign based on ACMG/AMP sequence variant interpretation guidelines (Richards et al. 2015 PMID: 25741868, with internal and published modifications).

Blueprint Genetics
Classification: Likely benign. Last evaluated: 2024-11-17. Review status: criteria provided, single submitter. Criteria: ACMG Guidelines, 2015. Collection method: clinical testing. Allele origin: germline.

NM_005378.6(MYCN):c.90G>C (p.Pro30=)

Genes: MYCN (MYCN proto-oncogene, bHLH transcription factor; plus strand), MYCNOS (MYCN opposite strand; minus strand). Cytogenetic location: 2p24.3.
Variant type: single nucleotide variant.
Coding change: c.90G>C on transcript NM_005378.6 (MANE Select); coding-DNA position 90, G replaced by C.
Protein change: p.Pro30=; no amino-acid change (proline 30 retained).
Molecular consequence: synonymous variant. On other transcripts: non-coding transcript variant (1), 3 prime UTR variant (1), intron variant (1).
Genome position (GRCh38, 1-based): chr2:15,942,154, G>C. VCF-style: chr2-15942154-G-C. GRCh37 (hg19) VCF-style: chr2-16082276-G-C.
Other names: c.90G>C, p.Pro30= (NM_001293228.2); c.*25G>C (NM_001293233.2); c.157+1411G>C (NM_001293231.2).
Identifiers: ClinVar variation 717542 (VCV000717542.32), dbSNP rs35648249, ClinGen allele CA1538116.